The following is an entry in ClinVar:

ClinVar aggregate classification (germline): Likely pathogenic. Review status: criteria provided, multiple submitters, no conflicts (2 of 4 stars). 2 submissions from 2 submitters: Likely pathogenic (2). Last evaluated 2024-02-09.

Conditions:
Retinitis pigmentosa 39 (RP39). Identifiers: Orphanet 791, MedGen C3151138, MONDO:0013436, OMIM 613809.

Submissions (2):

GeneDx
Classification: Likely pathogenic. Last evaluated: 2024-02-09. Review status: criteria provided, single submitter. Criteria: GeneDx Variant Classification Process June 2021. Collection method: clinical testing. Allele origin: germline. Affected: yes.
Comment: Frameshift variant predicted to result in protein truncation or nonsense mediated decay in a gene for which loss of function is a known mechanism of disease; Not observed at significant frequency in large population cohorts (gnomAD); Has not been previously published as pathogenic or benign to our knowledge

Baylor Genetics
Classification: Likely pathogenic for Retinitis pigmentosa 39. Last evaluated: 2022-01-25. Review status: criteria provided, single submitter. Criteria: ACMG Guidelines, 2015. Collection method: clinical testing. Allele origin: unknown.

NM_206933.4(USH2A):c.11833_11835delinsGGGTCAG (p.Cys3945fs)

Gene: USH2A (usherin; minus strand). Cytogenetic location: 1q41.
Variant type: Indel.
Coding change: c.11833_11835delinsGGGTCAG on transcript NM_206933.4 (MANE Select); coding-DNA positions 11833 to 11835, TGT replaced by GGGTCAG.
Protein change: p.Cys3945fs; shifts the reading frame from cysteine 3945.
Molecular consequence: frameshift variant.
Genome position (GRCh38, 1-based): chr1:215,728,261-215,728,263, ACA replaced by CTGACCC on the plus strand (TGT replaced by GGGTCAG on the coding strand, the reverse complement: USH2A is on the minus strand). VCF-style: chr1-215728261-ACA-CTGACCC. GRCh37 (hg19) VCF-style: chr1-215901603-ACA-CTGACCC.
Other names: c.11833_11835delinsGGGTCAG (NM_206933.2); short protein forms C3945fs.
Identifiers: ClinVar variation 2679571 (VCV002679571.2), dbSNP rs2465050068, ClinGen allele CA2695199987.